The following is an entry in ClinVar:

NM_005445.4(SMC3):c.1174G>C (p.Asp392His)

Gene: SMC3 (structural maintenance of chromosomes 3; plus strand). Cytogenetic location: 10q25.2.
Variant type: single nucleotide variant.
Coding change: c.1174G>C on transcript NM_005445.4 (MANE Select); coding-DNA position 1174, G replaced by C.
Protein change: p.Asp392His; replaces aspartic acid 392 with histidine.
Molecular consequence: missense variant.
Genome position (GRCh38, 1-based): chr10:110,584,265, G>C. VCF-style: chr10-110584265-G-C. GRCh37 (hg19) VCF-style: chr10-112344023-G-C.
Other names: short protein forms D392H.
Identifiers: ClinVar variation 4845391 (VCV004845391.1).

ClinVar aggregate classification (germline): Likely pathogenic (1 of 4 stars; one submission).

Conditions:
Cornelia de Lange syndrome 3 (CDLS3). Also called: SMC3-Related Cornelia de Lange Syndrome; CORNELIA DE LANGE SYNDROME 3 WITH OR WITHOUT MIDLINE BRAIN DEFECTS. Identifiers: Orphanet 199, MedGen C1853099, MONDO:0012555, OMIM 610759.

Submission:

Institute of Human Genetics, University of Leipzig Medical Center
Classification: Likely pathogenic for Cornelia de Lange syndrome 3. Last evaluated: 2026-03-27. Review status: criteria provided, single submitter. Criteria: ACMG Guidelines, 2015. Collection method: clinical testing. Allele origin: de novo. Inheritance: Autosomal dominant inheritance. Affected: yes.
Comment: Criteria applied: PS2_MOD,PM2,PP2,PP3